The following is an entry in ClinVar:

NM_001211.6(BUB1B):c.853G>A (p.Ala285Thr)

Gene: BUB1B (BUB1 mitotic checkpoint serine/threonine kinase B; plus strand). Cytogenetic location: 15q15.1.
Variant type: single nucleotide variant.
Coding change: c.853G>A on transcript NM_001211.6 (MANE Select); coding-DNA position 853, G replaced by A.
Protein change: p.Ala285Thr; replaces alanine 285 with threonine.
Molecular consequence: missense variant.
Genome position (GRCh38, 1-based): chr15:40,185,266, G>A. VCF-style: chr15-40185266-G-A. GRCh37 (hg19) VCF-style: chr15-40477467-G-A.
Other names: short protein forms A285T.
Identifiers: ClinVar variation 2450841 (VCV002450841.2), dbSNP rs2542535512, ClinGen allele CA391684372.

ClinVar aggregate classification (germline): Uncertain significance (1 of 4 stars; one submission).

Conditions:
Inborn genetic diseases. Identifiers: MedGen C0950123, MeSH D030342.

Submission:

Ambry Genetics
Classification: Uncertain significance for Inborn genetic diseases. Last evaluated: 2023-02-24. Review status: criteria provided, single submitter. Criteria: Ambry Variant Classification Scheme 2023. Collection method: clinical testing. Allele origin: germline.
Comment: The p.A285T variant (also known as c.853G>A), located in coding exon 7 of the BUB1B gene, results from a G to A substitution at nucleotide position 853. The alanine at codon 285 is replaced by threonine, an amino acid with similar properties. This amino acid position is conserved. In addition, this alteration is predicted to be tolerated by in silico analysis. Since supporting evidence is limited at this time, the clinical significance of this alteration remains unclear.